The following is an entry in ClinVar:

ClinVar aggregate classification (germline): Likely benign. Review status: criteria provided, single submitter (1 of 4 stars). 2 submissions from 2 submitters: Likely benign (1). 1 of the submissions does not count toward it. Last evaluated 2024-10-03.

Conditions:
CNNM4-related disorder. Also called: CNNM4-related condition.

Allele frequency attached by ClinVar (database versions not stated): ExAC 0.00001; gnomAD exomes 0.00001 and 0.00002; gnomAD 0.00003 and 0.00004; TOPMed 0.00003.
gnomAD v4.1: 12 of 1,613,996 alleles (0.00074%); highest among the groups gnomAD compares: African/African-American, 0.013%; no homozygotes.

Submissions (2):

Labcorp Genetics (formerly Invitae), Labcorp
Classification: Likely benign. Last evaluated: 2024-10-03. Review status: criteria provided, single submitter. Criteria: Invitae Variant Classification Sherloc (09022015). Collection method: clinical testing. Allele origin: germline.

PreventionGenetics, part of Exact Sciences
Classification: Likely benign for CNNM4-related condition. Last evaluated: 2019-08-02. Review status: no assertion criteria provided. Collection method: clinical testing. Allele origin: germline. Not counted in ClinVar's aggregate classification.
Comment: This variant is classified as likely benign based on ACMG/AMP sequence variant interpretation guidelines (Richards et al. 2015 PMID: 25741868, with internal and published modifications).

NM_020184.4(CNNM4):c.237C>T (p.Tyr79=)

Gene: CNNM4 (cyclin and CBS domain divalent metal cation transport mediator 4; plus strand). Cytogenetic location: 2q11.2.
Variant type: single nucleotide variant.
Coding change: c.237C>T on transcript NM_020184.4 (MANE Select); coding-DNA position 237, C replaced by T.
Protein change: p.Tyr79=; no amino-acid change (tyrosine 79 retained).
Molecular consequence: synonymous variant.
Genome position (GRCh38, 1-based): chr2:96,761,236, C>T. VCF-style: chr2-96761236-C-T. GRCh37 (hg19) VCF-style: chr2-97426973-C-T.
Other names: c.237C>T (NM_020184.3).
Identifiers: ClinVar variation 1146269 (VCV001146269.12), dbSNP rs774957153, ClinGen allele CA1783177.
Genomic context (GRCh38, chr2:96,761,236, plus strand): 5'-GACGAACCCGGATGGCATCATCTTCGTGTCCGAGGGCAGCACCGTGAACCTGAGGCTGTA[C>T]GGCTACAGCCTGGGCAACATCTCCAGCAACCTGATCTCCTTCACCGAGGTGGACGATGCC-3'
Protein context (NP_064569.3, residues 69-89): SEGSTVNLRL[Tyr79=]GYSLGNISSN